The following is an entry in ClinVar:

ClinVar aggregate classification (germline): Pathogenic. Review status: criteria provided, multiple submitters, no conflicts (2 of 4 stars). 3 submissions from 3 submitters: Pathogenic (3). Last evaluated 2025-08-14.

Conditions:
Hereditary cancer-predisposing syndrome. Also called: Hereditary Cancer Syndrome; Hereditary neoplastic syndrome; Neoplastic Syndromes, Hereditary; Tumor predisposition. Identifiers: Orphanet 140162, MedGen C0027672, MeSH D009386, MONDO:0015356.
Familial melanoma. Also called: Hereditary cutaneous melanoma; Hereditary melanoma. Identifiers: Orphanet 618, MedGen C1512419, MONDO:0018961.
Melanoma-pancreatic cancer syndrome. Identifiers: Orphanet 404560, MedGen C1838547, MONDO:0011713, OMIM 606719. Disease mechanism: loss of function.

Submissions (3):

Myriad Genetics, Inc.
Classification: Pathogenic for Melanoma-pancreatic cancer syndrome. Last evaluated: 2025-08-14. Review status: criteria provided, single submitter. Criteria: Myriad Autosomal Dominant, Autosomal Recessive and X-Linked Classification Criteria (2023). Collection method: clinical testing. Allele origin: unknown.
Comment: This variant is considered pathogenic. This variant creates a frameshift predicted to result in premature protein truncation.

Ambry Genetics
Classification: Pathogenic for Hereditary cancer-predisposing syndrome. Last evaluated: 2025-01-29. Review status: criteria provided, single submitter. Criteria: Ambry Variant Classification Scheme 2023. Collection method: clinical testing. Allele origin: germline.
Comment: The c.19_22dupAGCA variant, located in coding exon 1 of the CDKN2A gene, results from a duplication of AGCA at nucleotide position 19, causing a translational frameshift with a predicted alternate stop codon (p.S8Kfs*8). This variant is considered to be rare based on population cohorts in the Genome Aggregation Database (gnomAD). This alteration is expected to result in loss of function by premature protein truncation or nonsense-mediated mRNA decay. As such, this alteration is interpreted as a disease-causing mutation.

Labcorp Genetics (formerly Invitae), Labcorp
Classification: Pathogenic for Familial melanoma. Last evaluated: 2023-04-19. Review status: criteria provided, single submitter. Criteria: Invitae Variant Classification Sherloc (09022015). Collection method: clinical testing. Allele origin: germline.
Comment: For these reasons, this variant has been classified as Pathogenic. ClinVar contains an entry for this variant (Variation ID: 1782299). This variant has not been reported in the literature in individuals affected with CDKN2A (p16INK4a)-related conditions. This variant is not present in population databases (gnomAD no frequency). This sequence change creates a premature translational stop signal (p.Ser8Lysfs*8) in the CDKN2A (p16INK4a) gene. It is expected to result in an absent or disrupted protein product. Loss-of-function variants in CDKN2A (p16INK4a) are known to be pathogenic (PMID: 15146471, 16905682).

Literature cited by the submitters: PubMed 15146471 (cited by Labcorp Genetics (formerly Invitae), Labcorp); PubMed 16905682 (cited by Labcorp Genetics (formerly Invitae), Labcorp).

NM_000077.5(CDKN2A):c.19_22dup (p.Ser8fs)

Gene: CDKN2A (cyclin dependent kinase inhibitor 2A; minus strand). Cytogenetic location: 9p21.3.
Variant type: Duplication.
Coding change: c.19_22dup on transcript NM_000077.5; coding-DNA positions 19 to 22, 4 bases duplicated (AGCA; older notation c.19_22dupAGCA).
Protein change: p.Ser8fs; shifts the reading frame from serine 8.
Molecular consequence: frameshift variant (on NM_000077.4). On other transcripts: intron variant (2).
Genome position (GRCh38, 1-based): chr9:21,974,806-21,974,809, TGCT duplicated on the plus strand (AGCA on the coding strand, the reverse complement: CDKN2A is on the minus strand). VCF-style (leftmost placement, unchanged base first): chr9-21974805-C-CTGCT. GRCh37 (hg19) VCF-style: chr9-21974804-C-CTGCT.
Other names: c.19_22dupAGCA (NM_000077.4); c.19_22dup, p.Ser8Lysfs (NM_000077.6); c.19_22dup, p.Ser8fs (NM_001195132.2, NM_058197.5); c.-3-3601_-3-3598dup (NM_001363763.2); c.194-3601_194-3598dup (NM_058195.4); short protein forms S8fs.
Identifiers: ClinVar variation 1782299 (VCV001782299.7), dbSNP rs2489292482, ClinGen allele CA2580080352.
Genomic context (GRCh38, chr9:21,974,805, plus strand): 5'-ACCTCCTCTACCCGACCCCGGGCCGCGGCCGTGGCCAGCCAGTCAGCCGAAGGCTCCATG[C>CTGCT]TGCTCCCCGCCGCCGGCTCCATGCTGCTCCCCGCCGCCCGCTGCCTGCTCTCCCCCTCTC-3'